The following is an entry in ClinVar:

ClinVar aggregate classification (germline): Uncertain significance. Review status: criteria provided, multiple submitters, no conflicts (2 of 4 stars). 2 submissions from 2 submitters: Uncertain significance (2). Last evaluated 2025-12-16.

Allele frequency attached by ClinVar (database versions not stated): gnomAD exomes below 0.00001 and 0.00003; ExAC 0.00001; gnomAD 0.00001 and 0.00002; TOPMed 0.00002; 1000 Genomes Project 30x 0.00016; 1000 Genomes Project 0.00020.
gnomAD v4.1: 44 of 1,614,226 alleles (0.0027%); highest among the groups gnomAD compares: Non-Finnish European, 0.0036%; no homozygotes.

Submissions (2):

Ambry Genetics
Classification: Uncertain significance. Last evaluated: 2025-12-16. Review status: criteria provided, single submitter. Criteria: Ambry Variant Classification Scheme 2023. Collection method: clinical testing. Allele origin: germline.

Labcorp Genetics (formerly Invitae), Labcorp
Classification: Uncertain significance. Last evaluated: 2022-11-01. Review status: criteria provided, single submitter. Criteria: Invitae Variant Classification Sherloc (09022015). Collection method: clinical testing. Allele origin: germline.
Comment: This sequence change replaces aspartic acid, which is acidic and polar, with glycine, which is neutral and non-polar, at codon 620 of the LOXL3 protein (p.Asp620Gly). This variant is present in population databases (rs202011389, gnomAD 0.0009%). This variant has not been reported in the literature in individuals affected with LOXL3-related conditions. ClinVar contains an entry for this variant (Variation ID: 1506839). Algorithms developed to predict the effect of missense changes on protein structure and function (SIFT, PolyPhen-2, Align-GVGD) all suggest that this variant is likely to be disruptive. In summary, the available evidence is currently insufficient to determine the role of this variant in disease. Therefore, it has been classified as a Variant of Uncertain Significance.

NM_032603.5(LOXL3):c.1859A>G (p.Asp620Gly)

Gene: LOXL3 (lysyl oxidase like 3; minus strand). Cytogenetic location: 2p13.1.
Variant type: single nucleotide variant.
Coding change: c.1859A>G on transcript NM_032603.5 (MANE Select); coding-DNA position 1859, A replaced by G.
Protein change: p.Asp620Gly; replaces aspartic acid 620 with glycine.
Molecular consequence: missense variant.
Genome position (GRCh38, 1-based): chr2:74,534,396, T>C on the plus strand (A>G on the coding strand, the complement: LOXL3 is on the minus strand). VCF-style: chr2-74534396-T-C. GRCh37 (hg19) VCF-style: chr2-74761523-T-C.
Other names: c.1424A>G, p.Asp475Gly (NM_001289164.3); c.776A>G, p.Asp259Gly (NM_001289165.2); c.1859A>G (NM_032603.2); short protein forms D259G, D620G, D475G.
Identifiers: ClinVar variation 1506839 (VCV001506839.5), dbSNP rs202011389, ClinGen allele CA1728776.